The following is an entry in ClinVar:

NM_024675.4(PALB2):c.133_139del (p.Lys45fs)

Gene: PALB2 (partner and localizer of BRCA2; minus strand). Cytogenetic location: 16p12.2.
Variant type: Deletion.
Coding change: c.133_139del on transcript NM_024675.4 (MANE Select); coding-DNA positions 133 to 139, 7 bases deleted (AAGCATT; older notation c.133_139delAAGCATT).
Protein change: p.Lys45fs; shifts the reading frame from lysine 45.
Molecular consequence: frameshift variant. On other transcripts: 5 prime UTR variant (8), intron variant (3).
Genome position (GRCh38, 1-based): chr16:23,637,922-23,637,928, AATGCTT deleted on the plus strand (AAGCATT on the coding strand, the reverse complement: PALB2 is on the minus strand); deleting any 7 consecutive bases within chr16:23,637,922-23,637,931 gives the same sequence; the c. name uses the placement nearest the transcript's 3' end. VCF-style (leftmost placement, unchanged base first): chr16-23637921-GAATGCTT-G. GRCh37 (hg19) VCF-style: chr16-23649242-GAATGCTT-G.
Other names: c.73_79del, p.Lys25fs (NM_001407296.1); c.133_139del, p.Lys45fs (NM_001407297.1, NM_001407298.1, NM_001407299.1 and 3 more transcripts); c.-753_-747del (NM_001407304.1, NM_001407305.1, NM_001407306.1 and 5 more transcripts); c.130_136delATTAAGC, p.Lys45Leufs (NM_024675.3); c.48+3182_48+3188del (NM_001407314.1); c.-105+3182_-105+3188del (NM_001407313.1, NM_001407312.1); short protein forms K25fs, K45fs.
Identifiers: ClinVar variation 3572310 (VCV003572310.1).

ClinVar aggregate classification (germline): Likely pathogenic (1 of 4 stars; one submission).

Submission:

Quest Diagnostics Nichols Institute San Juan Capistrano
Classification: Likely pathogenic. Last evaluated: 2023-10-16. Review status: criteria provided, single submitter. Criteria: Quest Diagnostics criteria. Collection method: clinical testing. Allele origin: unknown.
Comment: The PALB2 c.133_139del (p.Lys45Leufs*6) variant alters the translational reading frame of the PALB2 mRNA and is predicted to cause the premature termination of PALB2 protein synthesis. This variant has not been reported in individuals with PALB2-related conditions in the published literature. This variant also has not been reported in large, multi-ethnic general populations (Genome Aggregation Database). Based on the available information, this variant is classified as likely pathogenic.